The following is an entry in ClinVar:

NM_005629.4(SLC6A8):c.587C>T (p.Ala196Val)

Gene: SLC6A8 (solute carrier family 6 member 8; plus strand). Cytogenetic location: Xq28.
Variant type: single nucleotide variant.
Coding change: c.587C>T on transcript NM_005629.4 (MANE Select); coding-DNA position 587, C replaced by T.
Protein change: p.Ala196Val; replaces alanine 196 with valine.
Molecular consequence: missense variant.
Genome position (GRCh38, 1-based): chrX:153,691,496, C>T. VCF-style: chrX-153691496-C-T. GRCh37 (hg19) VCF-style: chrX-152956951-C-T.
Other names: c.587C>T, p.Ala196Val (NM_001142805.2); c.242C>T, p.Ala81Val (NM_001142806.1); short protein forms A196V, A81V.
Identifiers: ClinVar variation 3603166 (VCV003603166.1).

ClinVar aggregate classification (germline): Uncertain significance (1 of 4 stars; one submission).

Submission:

GeneDx
Classification: Uncertain significance. Last evaluated: 2024-08-07. Review status: criteria provided, single submitter. Criteria: GeneDx Variant Classification Process June 2021. Collection method: clinical testing. Allele origin: germline. Affected: yes.
Comment: Not observed at significant frequency in large population cohorts (gnomAD); In silico analysis indicates that this missense variant does not alter protein structure/function; Has not been previously published as pathogenic or benign to our knowledge